The following is an entry in ClinVar:

ClinVar aggregate classification (germline): Benign/Likely benign. Review status: criteria provided, multiple submitters, no conflicts (2 of 4 stars). 5 submissions from 5 submitters: Benign (3); Likely benign (1). 1 of the submissions does not count toward it. Last evaluated 2026-01-28.

Conditions:
KMT2D-related disorder. Also called: KMT2D-Related Disorders.
Kabuki syndrome. Also called: NIIKAWA-KUROKI SYNDROME; Kabuki make-up syndrome. Identifiers: Orphanet 2322, MedGen C0796004, MONDO:0016512.

Allele frequency attached by ClinVar (database versions not stated): gnomAD 0.00001 and 0.00025; TOPMed 0.00005; gnomAD exomes 0.00036 and 0.00056; ExAC 0.00066; 1000 Genomes Project 30x 0.00078; 1000 Genomes Project 0.00080.
gnomAD v4.1: 537 of 1,537,658 alleles (0.035%); highest among the groups gnomAD compares: South Asian, 0.65%; 4 homozygotes.

Submissions (5):

Labcorp Genetics (formerly Invitae), Labcorp
Classification: Benign for Kabuki syndrome. Last evaluated: 2026-01-28. Review status: criteria provided, single submitter. Criteria: Invitae Variant Classification Sherloc (09022015). Collection method: clinical testing. Allele origin: germline.

Blueprint Genetics
Classification: Likely benign. Last evaluated: 2024-06-25. Review status: criteria provided, single submitter. Criteria: ACMG Guidelines, 2015. Collection method: clinical testing. Allele origin: germline.

CeGaT Center for Human Genetics Tuebingen
Classification: Benign. Last evaluated: 2022-07-01. Review status: criteria provided, single submitter. Criteria: CeGaT Center For Human Genetics Tuebingen Variant Classification Criteria Version 2. Collection method: clinical testing. Allele origin: germline. Affected: yes. Observed: 2 variant alleles.
Comment: KMT2D: BS1, BS2

GeneDx
Classification: Benign. Last evaluated: 2019-02-15. Review status: criteria provided, single submitter. Criteria: GeneDx Variant Classification Process June 2021. Collection method: clinical testing. Allele origin: germline. Affected: yes.

PreventionGenetics, part of Exact Sciences
Classification: Benign for KMT2D-related condition. Last evaluated: 2021-08-25. Review status: no assertion criteria provided. Collection method: clinical testing. Allele origin: germline. Not counted in ClinVar's aggregate classification.
Comment: This variant is classified as benign based on ACMG/AMP sequence variant interpretation guidelines (Richards et al. 2015 PMID: 25741868, with internal and published modifications).

NM_003482.4(KMT2D):c.6704G>A (p.Arg2235Lys)

Gene: KMT2D (lysine methyltransferase 2D; minus strand). Cytogenetic location: 12q13.12.
Variant type: single nucleotide variant.
Coding change: c.6704G>A on transcript NM_003482.4 (MANE Select); coding-DNA position 6704, G replaced by A.
Protein change: p.Arg2235Lys; replaces arginine 2235 with lysine.
Molecular consequence: missense variant.
Genome position (GRCh38, 1-based): chr12:49,041,066, C>T on the plus strand (G>A on the coding strand, the complement: KMT2D is on the minus strand). VCF-style: chr12-49041066-C-T. GRCh37 (hg19) VCF-style: chr12-49434849-C-T.
Other names: short protein forms R2235K.
Identifiers: ClinVar variation 309051 (VCV000309051.40), dbSNP rs551403860, ClinGen allele CA6547191.